The following is an entry in ClinVar:

ClinVar aggregate classification (germline): Uncertain significance (1 of 4 stars; one submission).

Submission:

GeneDx
Classification: Uncertain significance. Last evaluated: 2025-10-03. Review status: criteria provided, single submitter. Criteria: GeneDx Variant Classification Process June 2021. Collection method: clinical testing. Allele origin: germline. Affected: yes.
Comment: Not observed at significant frequency in large population cohorts (gnomAD); In silico analysis supports a deleterious effect on splicing; Has not been previously published as pathogenic or benign to our knowledge; This variant is associated with the following publications: (PMID: 39486665)

NM_001267550.2(TTN):c.24784+1G>A

Gene: TTN (titin; minus strand). Cytogenetic location: 2q31.2.
Variant type: single nucleotide variant.
Coding change: c.24784+1G>A on transcript NM_001267550.2 (MANE Select); the canonical splice donor site of the intron after coding-DNA position 24784, G replaced by A.
Molecular consequence: splice donor variant. On other transcripts: intron variant (3).
Genome position (GRCh38, 1-based): chr2:178,718,321, C>T on the plus strand (G>A on the coding strand, the complement: TTN is on the minus strand). VCF-style: chr2-178718321-C-T. GRCh37 (hg19) VCF-style: chr2-179583048-C-T.
Other names: c.13282+19761G>A (NM_003319.4); c.13858+19761G>A (NM_133437.4); c.13657+19761G>A (NM_133432.3); c.21052+1G>A (NM_133378.4); c.23833+1G>A (NM_001256850.1).
Identifiers: ClinVar variation 4819519 (VCV004819519.1).